The following is an entry in ClinVar:

ClinVar aggregate classification (germline): Uncertain significance (1 of 4 stars; one submission).

Submission:

Labcorp Genetics (formerly Invitae), Labcorp
Classification: Uncertain significance. Last evaluated: 2024-05-03. Review status: criteria provided, single submitter. Criteria: Invitae Variant Classification Sherloc (09022015). Collection method: clinical testing. Allele origin: germline.
Comment: This sequence change replaces asparagine, which is neutral and polar, with serine, which is neutral and polar, at codon 74 of the SPPL2A protein (p.Asn74Ser). This variant is not present in population databases (gnomAD no frequency). This variant has not been reported in the literature in individuals affected with SPPL2A-related conditions. Algorithms developed to predict the effect of missense changes on protein structure and function output the following: SIFT: "Not Available"; PolyPhen-2: "Benign"; Align-GVGD: "Not Available". The serine amino acid residue is found in multiple mammalian species, which suggests that this missense change does not adversely affect protein function. In summary, the available evidence is currently insufficient to determine the role of this variant in disease. Therefore, it has been classified as a Variant of Uncertain Significance.

NM_032802.4(SPPL2A):c.221A>G (p.Asn74Ser)

Gene: SPPL2A (signal peptide peptidase like 2A; minus strand). Cytogenetic location: 15q21.2.
Variant type: single nucleotide variant.
Coding change: c.221A>G on transcript NM_032802.4 (MANE Select); coding-DNA position 221, A replaced by G.
Protein change: p.Asn74Ser; replaces asparagine 74 with serine.
Molecular consequence: missense variant.
Genome position (GRCh38, 1-based): chr15:50,748,827, T>C on the plus strand (A>G on the coding strand, the complement: SPPL2A is on the minus strand). VCF-style: chr15-50748827-T-C. GRCh37 (hg19) VCF-style: chr15-51041024-T-C.
Other names: short protein forms N74S.
Identifiers: ClinVar variation 3619594 (VCV003619594.2).